The following is an entry in ClinVar:

ClinVar aggregate classification (germline): Likely benign. Review status: criteria provided, multiple submitters, no conflicts (2 of 4 stars). 2 submissions from 2 submitters: Likely benign (2). Last evaluated 2024-11-08.

Conditions:
Mucopolysaccharidosis, MPS-III-A (MPS3A). Also called: Mucopolysaccharidosis type IIIA (Sanfilippo A); Mucopolysaccharidosis, type IIIA; mucopolysaccharidosis type 3A; MPS IIIA (Sanfilippo Syndrome Type A); HEPARAN SULFATE SULFATASE DEFICIENCY; SANFILIPPO SYNDROME A. Identifiers: Orphanet 581, Orphanet 79269, MedGen C0086647, MONDO:0009655, OMIM 252900.

Allele frequency attached by ClinVar (database versions not stated): ExAC 0.00001.
gnomAD v4.1: 4 of 1,613,560 alleles (0.00025%); highest among the groups gnomAD compares: South Asian, 0.0011%; no homozygotes.

Submissions (2):

Mayo Clinic Laboratories, Mayo Clinic
Classification: Likely benign. Last evaluated: 2024-11-08. Review status: criteria provided, single submitter. Criteria: ACMG Guidelines, 2015. Collection method: clinical testing. Allele origin: germline. Observed: 1 variant allele.
Comment: BP4, PM2_supporting

Labcorp Genetics (formerly Invitae), Labcorp
Classification: Likely benign for Mucopolysaccharidosis, MPS-III-A. Last evaluated: 2023-01-16. Review status: criteria provided, single submitter. Criteria: Invitae Variant Classification Sherloc (09022015). Collection method: clinical testing. Allele origin: germline.

NM_000199.5(SGSH):c.858C>T (p.Tyr286=)

Gene: SGSH (N-sulfoglucosamine sulfohydrolase; minus strand). Cytogenetic location: 17q25.3.
Variant type: single nucleotide variant.
Coding change: c.858C>T on transcript NM_000199.5 (MANE Select); coding-DNA position 858, C replaced by T.
Protein change: p.Tyr286=; no amino-acid change (tyrosine 286 retained).
Molecular consequence: synonymous variant. On other transcripts: non-coding transcript variant (1).
Genome position (GRCh38, 1-based): chr17:80,212,162, G>A on the plus strand (C>T on the coding strand, the complement: SGSH is on the minus strand). VCF-style: chr17-80212162-G-A. GRCh37 (hg19) VCF-style: chr17-78185961-G-A.
Other names: p.Tyr286=; c.858C>T, p.Tyr286= (NM_001352921.3, NM_001352922.2).
Identifiers: ClinVar variation 2913197 (VCV002913197.4), dbSNP rs767718910, ClinGen allele CA8817762.
Genomic context (GRCh38, chr17:80,212,162, plus strand): 5'-GCCCCAGCGTTTTGGGTGCTCCGGGGATGACACCAGTAAGGGTTCAGCAGTGCCCGGCCA[G>A]TACAGGTTGGTCCTGCCGCTGGGGAAGGGGATCCCGTTGTCGGACGTGAAGATCACCAGT-3'
Protein context (NP_000190.1, residues 276-296): IPFPSGRTNL[Tyr286=]WPGTAEPLLV